The following is an entry in ClinVar:

ClinVar aggregate classification (germline): Pathogenic (1 of 4 stars; one submission).

Submission:

GeneDx
Classification: Pathogenic. Last evaluated: 2025-07-09. Review status: criteria provided, single submitter. Criteria: GeneDx Variant Classification Process June 2021. Collection method: clinical testing. Allele origin: germline. Affected: yes.
Comment: Frameshift variant predicted to result in protein truncation or nonsense mediated decay in a gene for which loss-of-function is a known mechanism of disease; Not observed at significant frequency in large population cohorts (gnomAD); Has not been previously published as pathogenic or benign to our knowledge

NM_004713.6(NEMF):c.3045_3048del (p.Thr1016fs)

Genes: KLHDC2 (kelch domain containing 2; plus strand), NEMF (nuclear export mediator factor; minus strand). Cytogenetic location: 14q21.3.
Variant type: Deletion.
Coding change: c.3045_3048del on transcript NM_004713.6 (MANE Select); coding-DNA positions 3045 to 3048, 4 bases deleted (TACT; older notation c.3045_3048delTACT).
Protein change: p.Thr1016fs; shifts the reading frame from threonine 1016.
Molecular consequence: frameshift variant. On other transcripts: 3 prime UTR variant (1).
Genome position (GRCh38, 1-based): chr14:49,785,117-49,785,120, AGTA deleted on the plus strand (TACT on the coding strand, the reverse complement: NEMF is on the minus strand); deleting any 4 consecutive bases within chr14:49,785,117-49,785,123 gives the same sequence; the c. name uses the placement nearest the transcript's 3' end. VCF-style (leftmost placement, unchanged base first): chr14-49785116-GAGTA-G. GRCh37 (hg19) VCF-style: chr14-50251834-GAGTA-G.
Other names: c.*2167_*2170del (NM_014315.3); c.2982_2985del, p.Thr995fs (NM_001301732.3); short protein forms T1016fs, T995fs.
Identifiers: ClinVar variation 4685090 (VCV004685090.1).